The following is an entry in ClinVar:

ClinVar aggregate classification (germline): Uncertain significance (1 of 4 stars; one submission).

Conditions:
Epilepsy, familial focal, with variable foci 3 (FFEVF3). Identifiers: MedGen C4310708, MONDO:0014925, OMIM 617118.

Submission:

Labcorp Genetics (formerly Invitae), Labcorp
Classification: Uncertain significance for Epilepsy, familial focal, with variable foci 3. Last evaluated: 2023-09-29. Review status: criteria provided, single submitter. Criteria: Invitae Variant Classification Sherloc (09022015). Collection method: clinical testing. Allele origin: germline.
Comment: In summary, the available evidence is currently insufficient to determine the role of this variant in disease. Therefore, it has been classified as a Variant of Uncertain Significance. Algorithms developed to predict the effect of sequence changes on RNA splicing suggest that this variant may disrupt the consensus splice site. This variant has not been reported in the literature in individuals affected with NPRL3-related conditions. This variant is not present in population databases (gnomAD no frequency). This sequence change affects codon 344 of the NPRL3 mRNA. It is a 'silent' change, meaning that it does not change the encoded amino acid sequence of the NPRL3 protein. It affects a nucleotide within the consensus splice site.

NM_001077350.3(NPRL3):c.1032G>T (p.Leu344=)

Genes: HBA-LCR (alpha-globin locus control region; plus strand), NPRL3 (NPR3 like, GATOR1 complex subunit; minus strand). Cytogenetic location: 16p13.3.
Variant type: single nucleotide variant.
Coding change: c.1032G>T on transcript NM_001077350.3 (MANE Select); coding-DNA position 1032, G replaced by T.
Protein change: p.Leu344=; no amino-acid change (leucine 344 retained).
Molecular consequence: synonymous variant.
Genome position (GRCh38, 1-based): chr16:92,725, C>A on the plus strand (G>T on the coding strand, the complement: NPRL3 is on the minus strand). VCF-style: chr16-92725-C-A. GRCh37 (hg19) VCF-style: chr16-142723-C-A.
Other names: c.495G>T, p.Leu165= (NM_001039476.3); c.798G>T, p.Leu266= (NM_001243247.2); c.957G>T, p.Leu319= (NM_001243248.2, NM_001243249.2).
Identifiers: ClinVar variation 2764247 (VCV002764247.3), dbSNP rs745938544, ClinGen allele CA492797819.
Genomic context (GRCh38, chr16:92,725, plus strand): 5'-AACGGACGGCAGGTCATGAGATGGGAACTGGTGGGAGAACTGCTCGGCCAGCGGGGAGTA[C>A]CTGCAGGCAGGTGAGCATGCCAGTGAGTGCAGCAGACCCCCCCACCGTGTTCTCAACACT-3'
Protein context (NP_001070818.1, residues 334-354): YMLSPNASVC[Leu344=]YSPLAEQFSH